The following is an entry in ClinVar:

ClinVar aggregate classification (germline): Uncertain significance. Review status: criteria provided, multiple submitters, no conflicts (2 of 4 stars). 2 submissions from 2 submitters: Uncertain significance (2). Last evaluated 2025-05-15.

Conditions:
Inborn genetic diseases. Identifiers: MedGen C0950123, MeSH D030342.

Allele frequency attached by ClinVar (database versions not stated): gnomAD exomes 0.00001; gnomAD 0.00003; ExAC 0.00003; TOPMed below 0.00001.
gnomAD v4.1: 14 of 1,614,168 alleles (0.00087%); highest among the groups gnomAD compares: Admixed American, 0.0033%; 1 homozygote.

Submissions (2):

Ambry Genetics
Classification: Uncertain significance for Inborn genetic diseases. Last evaluated: 2025-05-15. Review status: criteria provided, single submitter. Criteria: Ambry Variant Classification Scheme 2023. Collection method: clinical testing. Allele origin: germline.

Labcorp Genetics (formerly Invitae), Labcorp
Classification: Uncertain significance. Last evaluated: 2022-10-07. Review status: criteria provided, single submitter. Criteria: Invitae Variant Classification Sherloc (09022015). Collection method: clinical testing. Allele origin: germline.
Comment: In summary, the available evidence is currently insufficient to determine the role of this variant in disease. Therefore, it has been classified as a Variant of Uncertain Significance. Algorithms developed to predict the effect of missense changes on protein structure and function output the following: SIFT: "Not Available"; PolyPhen-2: "Benign"; Align-GVGD: "Not Available". The serine amino acid residue is found in multiple mammalian species, which suggests that this missense change does not adversely affect protein function. This sequence change replaces phenylalanine, which is neutral and non-polar, with serine, which is neutral and polar, at codon 144 of the BMP2 protein (p.Phe144Ser). This variant is present in population databases (rs756741663, gnomAD 0.004%). This variant has not been reported in the literature in individuals affected with BMP2-related conditions.

NM_001200.4(BMP2):c.431T>C (p.Phe144Ser)

Gene: BMP2 (bone morphogenetic protein 2; plus strand). Cytogenetic location: 20p12.3.
Variant type: single nucleotide variant.
Coding change: c.431T>C on transcript NM_001200.4 (MANE Select); coding-DNA position 431, T replaced by C.
Protein change: p.Phe144Ser; replaces phenylalanine 144 with serine.
Molecular consequence: missense variant.
Genome position (GRCh38, 1-based): chr20:6,778,329, T>C. VCF-style: chr20-6778329-T-C. GRCh37 (hg19) VCF-style: chr20-6758976-T-C.
Other names: c.431T>C (NM_001200.2); short protein forms F144S.
Identifiers: ClinVar variation 2067259 (VCV002067259.5), dbSNP rs756741663, ClinGen allele CA9758684.